The following is an entry in ClinVar:

ClinVar aggregate classification (germline): Uncertain significance. Review status: criteria provided, multiple submitters, no conflicts (2 of 4 stars). 2 submissions from 2 submitters: Uncertain significance (2). Last evaluated 2025-04-17.

Conditions:
Inborn genetic diseases. Identifiers: MedGen C0950123, MeSH D030342.

Allele frequency attached by ClinVar (database versions not stated): TOPMed below 0.00001; gnomAD 0.00001; gnomAD exomes 0.00001 and 0.00003.
gnomAD v4.1: 49 of 1,613,966 alleles (0.003%); highest among the groups gnomAD compares: Non-Finnish European, 0.0042%; no homozygotes.

Submissions (2):

Ambry Genetics
Classification: Uncertain significance for Inborn genetic diseases. Last evaluated: 2025-04-17. Review status: criteria provided, single submitter. Criteria: Ambry Variant Classification Scheme 2023. Collection method: clinical testing. Allele origin: germline.

Labcorp Genetics (formerly Invitae), Labcorp
Classification: Uncertain significance. Last evaluated: 2021-12-03. Review status: criteria provided, single submitter. Criteria: Invitae Variant Classification Sherloc (09022015). Collection method: clinical testing. Allele origin: germline.
Comment: This sequence change replaces asparagine, which is neutral and polar, with serine, which is neutral and polar, at codon 1361 of the LAMA1 protein (p.Asn1361Ser). This variant is present in population databases (no rsID available, gnomAD 0.002%). This variant has not been reported in the literature in individuals affected with LAMA1-related conditions. Algorithms developed to predict the effect of missense changes on protein structure and function output the following: SIFT: "Tolerated"; PolyPhen-2: "Benign"; Align-GVGD: "Class C0". The serine amino acid residue is found in multiple mammalian species, which suggests that this missense change does not adversely affect protein function. In summary, the available evidence is currently insufficient to determine the role of this variant in disease. Therefore, it has been classified as a Variant of Uncertain Significance.

NM_005559.4(LAMA1):c.4082A>G (p.Asn1361Ser)

Gene: LAMA1 (laminin subunit alpha 1; minus strand). Cytogenetic location: 18p11.31.
Variant type: single nucleotide variant.
Coding change: c.4082A>G on transcript NM_005559.4 (MANE Select); coding-DNA position 4082, A replaced by G.
Protein change: p.Asn1361Ser; replaces asparagine 1361 with serine.
Molecular consequence: missense variant.
Genome position (GRCh38, 1-based): chr18:7,008,528, T>C on the plus strand (A>G on the coding strand, the complement: LAMA1 is on the minus strand). VCF-style: chr18-7008528-T-C. GRCh37 (hg19) VCF-style: chr18-7008527-T-C.
Other names: c.4082A>G (NM_005559.3); short protein forms N1361S.
Identifiers: ClinVar variation 1522976 (VCV001522976.7), dbSNP rs1187783256, ClinGen allele CA401847638.